The following is an entry in ClinVar:

ClinVar aggregate classification (germline): Benign/Likely benign. Review status: criteria provided, multiple submitters, no conflicts (2 of 4 stars). 12 submissions from 12 submitters: Benign (3); Likely benign (7). 2 of the submissions do not count toward it. Last evaluated 2026-09-01.

Conditions:
Hereditary nonpolyposis colon cancer (HNPCC). Also called: Hereditary Nonpolyposis Colorectal Cancer Syndrome; Hereditary nonpolyposis colorectal cancer; Familial nonpolyposis colon cancer. Identifiers: Orphanet 443909, MedGen C1333990, MONDO:0018630. Disease mechanism: loss of function.
Patterned macular dystrophy 2. Identifiers: Orphanet 99001, MedGen C1837029, MONDO:0012162, OMIM 608970.
Hereditary cancer-predisposing syndrome. Also called: Hereditary neoplastic syndrome; Hereditary Cancer Syndrome; Neoplastic Syndromes, Hereditary; Tumor predisposition. Identifiers: Orphanet 140162, MedGen C0027672, MeSH D009386, MONDO:0015356.
Hereditary diffuse gastric adenocarcinoma (HDGC). Also called: DIFFUSE GASTRIC AND LOBULAR BREAST CANCER SYNDROME. Identifiers: Orphanet 26106, MedGen C1708349, MONDO:0007648, OMIM 137215.

Allele frequency attached by ClinVar (database versions not stated): 1000 Genomes Project 0.00100; 1000 Genomes Project 30x 0.00109; ExAC 0.00135; gnomAD exomes 0.00152; TOPMed 0.00170; gnomAD 0.00173 and 0.00178; ESP Exome Variant Server 0.00254.
gnomAD v4.1: 4,826 of 1,614,154 alleles (0.3%); highest among the groups gnomAD compares: Non-Finnish European, 0.37%; 17 homozygotes.

Submissions (12):

CeGaT Center for Human Genetics Tuebingen
Classification: Likely benign. Last evaluated: 2026-09-01. Review status: criteria provided, single submitter. Criteria: CeGaT Center For Human Genetics Tuebingen Variant Classification Criteria Version 2. Collection method: clinical testing. Allele origin: germline. Affected: yes. Observed: 14 variant alleles.
Comment: CTNNA1: BP4, BP7, BS2

Labcorp Genetics (formerly Invitae), Labcorp
Classification: Benign. Last evaluated: 2026-02-04. Review status: criteria provided, single submitter. Criteria: Invitae Variant Classification Sherloc (09022015). Collection method: clinical testing. Allele origin: germline.

Mayo Clinic Laboratories, Mayo Clinic
Classification: Likely benign. Last evaluated: 2025-04-10. Review status: criteria provided, single submitter. Criteria: ACMG Guidelines, 2015. Collection method: clinical testing. Allele origin: germline. Observed: 3 variant alleles.
Comment: BS1, BP4, BP7

Center for Genomic Medicine, Rigshospitalet, Copenhagen University Hospital
Classification: Likely benign. Last evaluated: 2025-03-04. Review status: criteria provided, single submitter. Criteria: ACMG Guidelines, 2015. Collection method: clinical testing. Allele origin: germline.

ARUP Laboratories, Molecular Genetics and Genomics, ARUP Laboratories
Classification: Benign for Patterned macular dystrophy 2. Last evaluated: 2024-11-26. Review status: criteria provided, single submitter. Criteria: ARUP Molecular Germline Variant Investigation Process 2024. Collection method: clinical testing. Allele origin: germline.

Blueprint Genetics
Classification: Likely benign. Last evaluated: 2024-11-20. Review status: criteria provided, single submitter. Criteria: ACMG Guidelines, 2015. Collection method: clinical testing. Allele origin: germline.

Myriad Genetics, Inc.
Classification: Benign for Hereditary diffuse gastric adenocarcinoma. Last evaluated: 2024-10-14. Review status: criteria provided, single submitter. Criteria: Myriad Autosomal Dominant, Autosomal Recessive and X-Linked Classification Criteria (2023). Collection method: clinical testing. Allele origin: unknown.
Comment: This variant is considered benign. This variant is a silent/synonymous amino acid change and it is not expected to impact splicing.

Department of Pathology and Laboratory Medicine, Sinai Health System
Classification: Likely benign for hereditary nonpolyposis colon cancer. Last evaluated: 2024-04-29. Review status: criteria provided, single submitter. Criteria: ACMG Guidelines, 2015. Collection method: clinical testing. Allele origin: germline. Affected: yes.

Ambry Genetics
Classification: Likely benign for Hereditary cancer-predisposing syndrome. Last evaluated: 2018-09-30. Review status: criteria provided, single submitter. Criteria: Ambry Variant Classification Scheme 2023. Collection method: clinical testing. Allele origin: germline.

Breakthrough Genomics
Classification: Likely benign. Review status: criteria provided, single submitter. Criteria: ACMG Guidelines, 2015. Collection method: not provided. Allele origin: germline. Inheritance: Autosomal dominant inheritance. Affected: yes.

Clinical Genetics DNA and cytogenetics Diagnostics Lab, Erasmus MC, Erasmus Medical Center
Classification: Likely benign. Review status: no assertion criteria provided. Collection method: clinical testing. Allele origin: germline. Affected: yes. Study: VKGL Data-share Consensus. Not counted in ClinVar's aggregate classification.

Joint Genome Diagnostic Labs from Nijmegen and Maastricht, Radboudumc and MUMC+
Classification: Likely benign. Review status: no assertion criteria provided. Collection method: clinical testing. Allele origin: germline. Affected: yes. Study: VKGL Data-share Consensus. Not counted in ClinVar's aggregate classification.

NM_001903.5(CTNNA1):c.1845C>T (p.Ser615=)

Gene: CTNNA1 (catenin alpha 1; plus strand). Cytogenetic location: 5q31.2.
Variant type: single nucleotide variant.
Coding change: c.1845C>T on transcript NM_001903.5 (MANE Select); coding-DNA position 1845, C replaced by T.
Protein change: p.Ser615=; no amino-acid change (serine 615 retained).
Molecular consequence: synonymous variant.
Genome position (GRCh38, 1-based): chr5:138,925,353, C>T. VCF-style: chr5-138925353-C-T. GRCh37 (hg19) VCF-style: chr5-138261042-C-T.
Other names: p.Ser615=; c.1845C>T, p.Ser615= (NM_001290307.3, NM_001323982.2, NM_001323983.1 and 2 more transcripts); c.1536C>T, p.Ser512= (NM_001290309.3); c.1476C>T, p.Ser492= (NM_001290310.3); c.735C>T, p.Ser245= (NM_001290312.1, NM_001323987.1, NM_001323988.1 and 17 more transcripts); c.1752C>T, p.Ser584= (NM_001323986.2); c.396C>T, p.Ser132= (NM_001324006.1, NM_001324007.1, NM_001324008.1 and 2 more transcripts); c.642C>T, p.Ser214= (NM_001324011.1); and 1 more.
Identifiers: ClinVar variation 239061 (VCV000239061.48), dbSNP rs150965493, ClinGen allele CA3432045.